The following is an entry in ClinVar:

NM_001378615.1(CC2D2A):c.4465_4468del (p.Asp1489fs)

Genes: CC2D2A (coiled-coil and C2 domain containing 2A; plus strand), FBXL5 (F-box and leucine rich repeat protein 5; minus strand). Cytogenetic location: 4p15.32.
Variant type: Deletion.
Coding change: c.4465_4468del on transcript NM_001378615.1 (MANE Select); coding-DNA positions 4465 to 4468, 4 bases deleted (GACA; older notation c.4465_4468delGACA).
Protein change: p.Asp1489fs; shifts the reading frame from aspartic acid 1489.
Molecular consequence: frameshift variant.
Genome position (GRCh38, 1-based): chr4:15,597,434-15,597,437, GACA deleted; deleting any 4 consecutive bases within chr4:15,597,432-15,597,437 gives the same sequence; the c. name uses the placement nearest the transcript's 3' end. VCF-style (leftmost placement, unchanged base first): chr4-15597431-TCAGA-T. GRCh37 (hg19) VCF-style: chr4-15599054-TCAGA-T.
Other names: c.4465_4468delGACA (NM_001080522.2); c.4465_4468del, p.Asp1489fs (NM_001080522.2); c.4318_4321del, p.Asp1440fs (NM_001378617.1); short protein forms D1440fs.
Identifiers: ClinVar variation 210612 (VCV000210612.30), dbSNP rs797045437, ClinGen allele CA206276.
Genomic context (GRCh38, chr4:15,597,431, plus strand): 5'-ATTTTTATACTTTCTGAACTATTTTCTCTTCTATAGCCTGAAGAGCTAATTTACCAGCGC[TCAGA>T]CAAAGCAGCTGCAGCTGAGCTACAAGACAGGTAACATAACATCCATAAATCCACATGTAA-3'

ClinVar aggregate classification (germline): Pathogenic/Likely pathogenic. Review status: criteria provided, multiple submitters, no conflicts (2 of 4 stars). 14 submissions from 14 submitters: Pathogenic (11); Likely pathogenic (2). 1 of the submissions does not count toward it. Last evaluated 2026-07-27.

Conditions:
Inborn genetic diseases. Identifiers: MedGen C0950123, MeSH D030342.
Meckel syndrome, type 6. Identifiers: Orphanet 564, MedGen C2676790, MONDO:0012848, OMIM 612284.
Joubert syndrome 9 (JBTS9). Identifiers: Orphanet 2318, MedGen C2676788, MONDO:0012849, OMIM 612285.
COACH syndrome 2. Identifiers: MedGen C5436837, MONDO:0030859, OMIM 619111.
Retinitis pigmentosa 93. Identifiers: MedGen C5676970, MONDO:0030797, OMIM 619845.
Autosomal recessive CC2D2A-related disorders.
CC2D2A-related disorder. Also called: CC2D2A-related disorders; CC2D2A-related condition. Identifiers: MedGen CN239313.
Meckel-Gruber syndrome. Also called: DYSENCEPHALIA SPLANCHNOCYSTICA; GRUBER SYNDROME; Dysencephalia splachnocystica. Identifiers: Orphanet 564, MedGen C0265215, MONDO:0018921.
Joubert syndrome. Also called: Familial aplasia of the vermis; JOUBERT-BOLTSHAUSER SYNDROME. Identifiers: Orphanet 475, MedGen C5979921, MONDO:0018772.
Joubert syndrome and related disorders. Identifiers: Orphanet 140874, MedGen C5679612, MONDO:0015369.

Submissions (14):

Ambry Genetics
Classification: Pathogenic for Inborn genetic diseases. Last evaluated: 2026-07-27. Review status: criteria provided, single submitter. Criteria: Ambry Variant Classification Scheme 2023. Collection method: clinical testing. Allele origin: germline.
Comment: The c.4465_4468delGACA alteration, located in exon 36 (coding exon 34) of the CC2D2A gene, consists of a deletion of 4 nucleotides from position 4465 to 4468, causing a translational frameshift with a predicted alternate stop codon after 15 amino acids. This variant is expected to result in loss of function by premature protein truncation or nonsense-mediated mRNA decay. Based on data from gnomAD, this allele has an overall frequency of 0.006% (10/161732) total alleles studied. The highest observed frequency was 0.071% (8/11314) of East Asian alleles. This variant has been identified in the homozygous state and/or in conjunction with other CC2D2A variant(s) in individual(s) with features consistent with CC2D2A-related ciliopathy; in at least one instance, the variants were identified in trans (Schueler, 2016; Fu, 2022). Based on the available evidence, this alteration is classified as pathogenic.

PreventionGenetics, part of Exact Sciences
Classification: Pathogenic for CC2D2A-related condition. Last evaluated: 2026-05-14. Review status: criteria provided, single submitter. Criteria: ACMG Guidelines, 2015. Collection method: clinical testing. Allele origin: germline.
Comment: The CC2D2A c.4465_4468delGACA variant is predicted to result in a frameshift and premature protein termination (p.Asp1489Lysfs*15). This variant has been reported in a patient with nephronophthisis-related ciliopathy (Schueler et al 2016. PubMed ID: 26673778). This variant has also previously been identified in a patient with Meckel-Gruber syndrome (Schueler et al. 2016. PubMed ID: 26673778) and in a fetus with features of Joubert syndrome (Additional file 2, Table S3, Fu et al. 2022. PubMed ID: 36307859). Frameshift variants in CC2D2A are expected to be pathogenic. This variant is interpreted as pathogenic.

Myriad Genetics, Inc.
Classification: Pathogenic for Joubert syndrome and related disorders. Last evaluated: 2026-03-06. Review status: criteria provided, single submitter. Criteria: Myriad Autosomal Dominant, Autosomal Recessive and X-Linked Classification Criteria (2023). Collection method: clinical testing. Allele origin: unknown.
Comment: NM_001080522.2(CC2D2A):c.4465_4468delGACA(D1489Kfs*15) is a frameshift variant classified as pathogenic in the context of CC2D2A-related disorders. D1489Kfs*15 has been observed in cases with relevant disease (PMID: 26673778, 36307859). Relevant functional assessments of this variant are not available in the literature. D1489Kfs*15 has been observed in referenced population frequency databases. In summary, NM_001080522.2(CC2D2A):c.4465_4468delGACA(D1489Kfs*15) is a frameshift variant in a gene where loss of function is a known mechanism of disease, is predicted to disrupt protein function, and has been observed more frequently in cases with the relevant disease than in healthy populations. Please note: this variant was assessed in the context of healthy population screening.

Variantyx, Inc.
Classification: Pathogenic for Autosomal recessive CC2D2A-related disorders. Last evaluated: 2026-01-08. Review status: criteria provided, single submitter. Criteria: Variantyx Assertion Criteria 2022. Collection method: clinical testing. Allele origin: germline. Inheritance: Autosomal recessive inheritance. Affected: no.
Comment: This is a frameshift variant in the CC2D2A gene (OMIM: 612013). Pathogenic variants in this gene have been associated with autosomal recessive CC2D2A-related disorders. This variant introduces a premature termination codon in exon 35 out of 37 and is expected to result in loss of function, which is a known disease mechanism for CC2D2A in this disorder (PMID: 19777577) (PVS1). This variant has been identified in the compound heterozygous state in at least 2 individuals reported in the published literature (PMID: 26673778, 36307859) (PM3) and has a 0.0339% maximum allele frequency in non-founder control populations (PM2). Based on the current evidence, this variant is classified as pathogenic for autosomal recessive CC2D2A-related disorders.

Labcorp Genetics (formerly Invitae), Labcorp
Classification: Pathogenic for Joubert syndrome; Meckel-Gruber syndrome. Last evaluated: 2025-07-31. Review status: criteria provided, single submitter. Criteria: Invitae Variant Classification Sherloc (09022015). Collection method: clinical testing. Allele origin: germline.
Comment: This sequence change creates a premature translational stop signal (p.Asp1489Lysfs*15) in the CC2D2A gene. It is expected to result in an absent or disrupted protein product. Loss-of-function variants in CC2D2A are known to be pathogenic (PMID: 19777577). This variant is present in population databases (rs797045437, gnomAD 0.07%). This premature translational stop signal has been observed in individual(s) with nephronophthisis and Meckel-Gruber syndrome (PMID: 26673778). In at least one individual the data is consistent with being in trans (on the opposite chromosome) from a pathogenic variant. ClinVar contains an entry for this variant (Variation ID: 210612). For these reasons, this variant has been classified as Pathogenic.

Women's Health and Genetics/Laboratory Corporation of America, LabCorp
Classification: Pathogenic for CC2D2A-Related Disorders. Last evaluated: 2024-12-18. Review status: criteria provided, single submitter. Criteria: LabCorp Variant Classification Summary - May 2015. Collection method: clinical testing. Allele origin: germline.
Comment: Variant summary: CC2D2A c.4465_4468delGACA (p.Asp1489LysfsX15) results in a premature termination codon, predicted to cause a truncation of the encoded protein or absence of the protein due to nonsense mediated decay, which are commonly known mechanisms for disease. The variant allele was found at a frequency of 6.2e-05 in 161732 control chromosomes (gnomAD). This frequency is not significantly higher than estimated for a pathogenic variant in CC2D2A causing CC2D2A-Related Disorders, allowing no conclusion about variant significance. c.4465_4468delGACA has been reported in the literature in individuals affected with CC2D2A-Related Disorders (Hanany_2020, Fu_2022). These data indicate that the variant may be associated with disease. To our knowledge, no experimental evidence demonstrating an impact on protein function has been reported. The following publications have been ascertained in the context of this evaluation (PMID: 31964843, 36307859). ClinVar contains an entry for this variant (Variation ID: 210612). Based on the evidence outlined above, the variant was classified as pathogenic.

Blueprint Genetics
Classification: Likely pathogenic for CC2D2A-related disorders. Last evaluated: 2024-03-04. Review status: criteria provided, single submitter. Criteria: ACMG Guidelines, 2015. Collection method: clinical testing. Allele origin: germline. Affected: yes. Observed: 5 variant alleles.

Fulgent Genetics
Classification: Pathogenic for Meckel syndrome, type 6; Joubert syndrome 9; COACH syndrome 2; Retinitis pigmentosa 93. Last evaluated: 2024-02-19. Review status: criteria provided, single submitter. Criteria: ACMG Guidelines, 2015. Collection method: clinical testing. Allele origin: germline.

GeneDx
Classification: Likely pathogenic. Last evaluated: 2021-01-15. Review status: criteria provided, single submitter. Criteria: GeneDx Variant Classification Process June 2021. Collection method: clinical testing. Allele origin: germline. Affected: yes.
Comment: Frameshift variant predicted to result in protein truncation or nonsense mediated decay in a gene for which loss-of-function is a known mechanism of disease; This variant is associated with the following publications: (PMID: 26673778)

Victorian Clinical Genetics Services, Murdoch Childrens Research Institute
Classification: Pathogenic for Joubert syndrome 9. Last evaluated: 2020-05-21. Review status: criteria provided, single submitter. Criteria: ACMG Guidelines, 2015. Collection method: clinical testing. Allele origin: germline. Inheritance: Autosomal recessive inheritance. Affected: yes.
Comment: Based on the classification scheme VCGS_Germline_v1.1.1, this variant is classified as Pathogenic. Following criteria are met: 0102 - Loss-of-function is a known mechanism of disease for this gene. NMD-predicted variants resulting in loss of protein function have previously been reported in this gene (ClinVar). (N) 0106 - This gene is known to be associated with autosomal recessive disease. (N) 0201 - Variant is predicted to cause nonsense-mediated decay (NMD) and loss of protein (exon 36 of 38). (P) 0251 - Variant is heterozygous. (N) 0304 - Variant is present in gnomAD <0.01 for a recessive condition (10 heterozygotes, 0 homozygotes). (P) 0701 - Comparable variants have very strong previous evidence for pathogenicity. Multiple NMD-predicted variants have previously been reported pathogenic in clinical cases (ClinVar). (P) 0801 - Strong previous evidence of pathogenicity in unrelated individuals. This variant has been reported in clinical cases (ClinVar). (P) 0905 - No segregation evidence has been identified for this variant. (N) 1007 - No published functional evidence has been identified for this variant. (N) 1208 - Inheritance information for this variant is not currently available. (N) Legend: (P) - Pathogenic, (N) - Neutral, (B) - Benign

Eurofins Ntd Llc (ga)
Classification: Pathogenic. Last evaluated: 2017-07-11. Review status: criteria provided, single submitter. Criteria: EGL Classification Definitions 2015. Collection method: clinical testing. Allele origin: germline. Observed: 1 variant allele, 1 heterozygote.

Genetic Services Laboratory, University of Chicago
Classification: Pathogenic for Joubert syndrome 9. Last evaluated: 2015-04-23. Review status: criteria provided, single submitter. Criteria: ACMG Guidelines, 2015. Collection method: clinical testing. Allele origin: germline. Affected: yes.

Juno Genomics, Hangzhou Juno Genomics, Inc
Classification: Pathogenic for COACH syndrome 2; Joubert syndrome 9; Meckel syndrome, type 6; Retinitis pigmentosa 93. Review status: criteria provided, single submitter. Criteria: ACMG Guidelines, 2015. Collection method: clinical testing. Allele origin: germline.
Comment: Absent from controls (or at extremely low frequency if recessive) in Genome Aggregation Database.;Null variant in a gene where loss of function (LOF) is a known mechanism of disease.;For recessive disorders, detected in trans with a pathogenic variant.;Patient's phenotype or family history is highly specific for a disease with a single genetic etiology.

Laboratory of Molecular Genetics (Pr. Bezieau's lab), CHU de Nantes
Classification: Pathogenic. Last evaluated: 2016-05-24. Review status: no assertion criteria provided. Collection method: clinical testing. Allele origin: germline. Affected: yes. Not counted in ClinVar's aggregate classification.

Literature cited by the submitters: PubMed 26673778 (cited by 4 submitters); PubMed 36307859 (cited by 4 submitters); PubMed 19777577 (cited by Variantyx, Inc. and Labcorp Genetics (formerly Invitae), Labcorp); PubMed 31964843 (cited by Women's Health and Genetics/Laboratory Corporation of America, LabCorp).